The following is an entry in ClinVar:

ClinVar aggregate classification (germline): Uncertain significance (1 of 4 stars; one submission).

Conditions:
Hereditary cancer-predisposing syndrome. Also called: Neoplastic Syndromes, Hereditary; Tumor predisposition; Hereditary Cancer Syndrome; Hereditary neoplastic syndrome. Identifiers: Orphanet 140162, MedGen C0027672, MeSH D009386, MONDO:0015356.

Submission:

Ambry Genetics
Classification: Uncertain significance for Hereditary cancer-predisposing syndrome. Last evaluated: 2025-08-20. Review status: criteria provided, single submitter. Criteria: Ambry Variant Classification Scheme 2023. Collection method: clinical testing. Allele origin: germline.
Comment: The p.Y47H variant (also known as c.139T>C), located in coding exon 2 of the SMARCB1 gene, results from a T to C substitution at nucleotide position 139. The tyrosine at codon 47 is replaced by histidine, an amino acid with similar properties. This amino acid position is conserved. In addition, this alteration is predicted to be deleterious by in silico analysis. Based on the available evidence, the clinical significance of this variant remains unclear.

NM_003073.5(SMARCB1):c.139T>C (p.Tyr47His)

Gene: SMARCB1 (SWI/SNF related BAF chromatin remodeling complex subunit B1; plus strand). Cytogenetic location: 22q11.23.
Variant type: single nucleotide variant.
Coding change: c.139T>C on transcript NM_003073.5 (MANE Select); coding-DNA position 139, T replaced by C.
Protein change: p.Tyr47His; replaces tyrosine 47 with histidine.
Molecular consequence: missense variant.
Genome position (GRCh38, 1-based): chr22:23,791,801, T>C. VCF-style: chr22-23791801-T-C. GRCh37 (hg19) VCF-style: chr22-24133988-T-C.
Other names: c.139T>C, p.Tyr47His (NM_001007468.3, NM_001317946.2, NM_001362877.2); short protein forms Y47H.
Identifiers: ClinVar variation 4170246 (VCV004170246.1).
Genomic context (GRCh38, chr22:23,791,801, plus strand): 5'-TTGCTTTACTCATAGGTGGGAAACTACCTCCGTATGTTCCGAGGTTCTCTGTACAAGAGA[T>C]ACCCCTCACTCTGGAGGCGACTAGCCACTGTGGAAGAGAGGAAGAAAATAGTTGCATCGT-3'
Protein context (NP_003064.2, residues 37-57): RMFRGSLYKR[Tyr47His]PSLWRRLATV